The following is an entry in ClinVar:

ClinVar aggregate classification (germline): Uncertain significance (1 of 4 stars; one submission).

Conditions:
Li-Ghorbani-Weisz-Hubshman syndrome. Identifiers: MedGen C5436525, MONDO:0033547, OMIM 618974.

Submission:

3billion
Classification: Uncertain significance for Li-Ghorbani-Weisz-Hubshman syndrome. Last evaluated: 2024-08-29. Review status: criteria provided, single submitter. Criteria: ACMG Guidelines, 2015. Collection method: clinical testing. Allele origin: germline. Affected: yes.
Comment: The variant is not observed in the gnomAD v4.0.0 dataset. Predicted Consequence/Location: Missense changes are a common disease-causing mechanism. In silico tool predictions suggest damaging effect of the variant on gene or gene product [REVEL: 0.94 (>=0.6, sensitivity 0.68 and specificity 0.92); 3Cnet: 0.07 (>=0.6, sensitivity 0.72 and precision 0.9)]. The same nucleotide change resulting in the same amino acid change has been previously reported to be associated with KAT8 related disorder (3billion dataset). However, the evidence of pathogenicity is insufficient at this time. Therefore, this variant is classified as VUS according to the recommendation of ACMG/AMP guideline.

NM_032188.3(KAT8):c.1084C>T (p.Arg362Cys)

Gene: KAT8 (lysine acetyltransferase 8; plus strand). Cytogenetic location: 16p11.2.
Variant type: single nucleotide variant.
Coding change: c.1084C>T on transcript NM_032188.3 (MANE Select); coding-DNA position 1084, C replaced by T.
Protein change: p.Arg362Cys; replaces arginine 362 with cysteine.
Molecular consequence: missense variant.
Genome position (GRCh38, 1-based): chr16:31,130,533, C>T. VCF-style: chr16-31130533-C-T. GRCh37 (hg19) VCF-style: chr16-31141854-C-T.
Other names: c.1084C>T, p.Arg362Cys (NM_182958.4); short protein forms R362C.
Identifiers: ClinVar variation 4292958 (VCV004292958.1).
Genomic context (GRCh38, chr16:31,130,533, plus strand): 5'-CTGGAGAGCACAGTCGGCTCCCCGGAGAAGCCACTGTCTGACCTGGGCAAGCTCAGCTAC[C>T]GCAGCTACTGGTCCTGGGTGCTGCTAGAGATCCTGCGGGACTTCCGGGGCACACTGTCCA-3'
Protein context (NP_115564.2, residues 352-372): PLSDLGKLSY[Arg362Cys]SYWSWVLLEI